The following is an entry in ClinVar:

ClinVar aggregate classification (germline): Uncertain significance (1 of 4 stars; one submission).

Allele frequency attached by ClinVar (database versions not stated): gnomAD exomes below 0.00001 and 0.00002; ExAC 0.00002; gnomAD 0.00005 and 0.00006; ESP Exome Variant Server 0.00008; TOPMed 0.00008.
gnomAD v4.1: 14 of 1,613,974 alleles (0.00087%); highest among the groups gnomAD compares: African/African-American, 0.019%; no homozygotes.

Submission:

Labcorp Genetics (formerly Invitae), Labcorp
Classification: Uncertain significance. Last evaluated: 2021-11-04. Review status: criteria provided, single submitter. Criteria: Invitae Variant Classification Sherloc (09022015). Collection method: clinical testing. Allele origin: germline.
Comment: In summary, the available evidence is currently insufficient to determine the role of this variant in disease. Therefore, it has been classified as a Variant of Uncertain Significance. Algorithms developed to predict the effect of missense changes on protein structure and function output the following: SIFT: "Tolerated"; PolyPhen-2: "Benign"; Align-GVGD: "Class C0". The alanine amino acid residue is found in multiple mammalian species, which suggests that this missense change does not adversely affect protein function. This variant has not been reported in the literature in individuals affected with DSG1-related conditions. This variant is present in population databases (rs151080838, gnomAD 0.02%). This sequence change replaces threonine, which is neutral and polar, with alanine, which is neutral and non-polar, at codon 522 of the DSG1 protein (p.Thr522Ala).

NM_001942.4(DSG1):c.1564A>G (p.Thr522Ala)

Gene: DSG1 (desmoglein 1; plus strand). Cytogenetic location: 18q12.1.
Variant type: single nucleotide variant.
Coding change: c.1564A>G on transcript NM_001942.4 (MANE Select); coding-DNA position 1564, A replaced by G.
Protein change: p.Thr522Ala; replaces threonine 522 with alanine.
Molecular consequence: missense variant.
Genome position (GRCh38, 1-based): chr18:31,339,902, A>G. VCF-style: chr18-31339902-A-G. GRCh37 (hg19) VCF-style: chr18-28919865-A-G.
Other names: short protein forms T522A.
Identifiers: ClinVar variation 1512275 (VCV001512275.6), dbSNP rs151080838, ClinGen allele CA8926110.